The following is an entry in ClinVar:

ClinVar aggregate classification (germline): Uncertain significance. Review status: criteria provided, multiple submitters, no conflicts (2 of 4 stars). 2 submissions from 2 submitters: Uncertain significance (2). Last evaluated 2022-10-14.

Conditions:
Intellectual developmental disorder, autosomal dominant 1. Also called: Intellectual disability, autosomal dominant 1; MBD5 Haploinsufficiency. Identifiers: Orphanet 228402, MedGen C1969562, MONDO:0007974, OMIM 156200.

Allele frequency attached by ClinVar (database versions not stated): gnomAD exomes 0.00001 and 0.00002.
gnomAD v4.1: 26 of 1,613,932 alleles (0.0016%); highest among the groups gnomAD compares: Non-Finnish European, 0.002%; no homozygotes.

Submissions (2):

Labcorp Genetics (formerly Invitae), Labcorp
Classification: Uncertain significance for Intellectual developmental disorder, autosomal dominant 1. Last evaluated: 2022-10-14. Review status: criteria provided, single submitter. Criteria: Invitae Variant Classification Sherloc (09022015). Collection method: clinical testing. Allele origin: germline.
Comment: This sequence change replaces glycine, which is neutral and non-polar, with tryptophan, which is neutral and slightly polar, at codon 637 of the MBD5 protein (p.Gly637Trp). Advanced modeling of protein sequence and biophysical properties (such as structural, functional, and spatial information, amino acid conservation, physicochemical variation, residue mobility, and thermodynamic stability) performed at Invitae indicates that this missense variant is not expected to disrupt MBD5 protein function. This variant is present in population databases (rs750882049, gnomAD 0.002%). This variant has not been reported in the literature in individuals affected with MBD5-related conditions. ClinVar contains an entry for this variant (Variation ID: 1691651). In summary, the available evidence is currently insufficient to determine the role of this variant in disease. Therefore, it has been classified as a Variant of Uncertain Significance.

GeneDx
Classification: Uncertain significance. Last evaluated: 2022-06-09. Review status: criteria provided, single submitter. Criteria: GeneDx Variant Classification Process June 2021. Collection method: clinical testing. Allele origin: germline. Affected: yes.
Comment: Not observed at a significant frequency in large population cohorts (gnomAD); In silico analysis supports that this missense variant has a deleterious effect on protein structure/function; Missense variant in a gene in which most reported pathogenic variants are truncating/loss of function; Has not been previously published as pathogenic or benign to our knowledge

NM_001378120.1(MBD5):c.1909G>T (p.Gly637Trp)

Gene: MBD5 (methyl-CpG binding domain protein 5; plus strand). Cytogenetic location: 2q23.1.
Variant type: single nucleotide variant.
Coding change: c.1909G>T on transcript NM_001378120.1 (MANE Select); coding-DNA position 1909, G replaced by T.
Protein change: p.Gly637Trp; replaces glycine 637 with tryptophan.
Molecular consequence: missense variant.
Genome position (GRCh38, 1-based): chr2:148,469,852, G>T. VCF-style: chr2-148469852-G-T. GRCh37 (hg19) VCF-style: chr2-149227421-G-T.
Other names: c.1909G>T, p.Gly637Trp (NM_018328.5); short protein forms G637W.
Identifiers: ClinVar variation 1691651 (VCV001691651.8), dbSNP rs750882049, ClinGen allele CA57579184.